The following is an entry in ClinVar:

ClinVar aggregate classification (germline): Uncertain significance (1 of 4 stars; one submission).

Submission:

Labcorp Genetics (formerly Invitae), Labcorp
Classification: Uncertain significance. Last evaluated: 2022-09-29. Review status: criteria provided, single submitter. Criteria: Invitae Variant Classification Sherloc (09022015). Collection method: clinical testing. Allele origin: germline.
Comment: Algorithms developed to predict the effect of missense changes on protein structure and function (SIFT, PolyPhen-2, Align-GVGD) all suggest that this variant is likely to be disruptive. This variant has not been reported in the literature in individuals affected with RP9-related conditions. This variant is not present in population databases (gnomAD no frequency). This sequence change replaces proline, which is neutral and non-polar, with leucine, which is neutral and non-polar, at codon 55 of the RP9 protein (p.Pro55Leu). In summary, the available evidence is currently insufficient to determine the role of this variant in disease. Therefore, it has been classified as a Variant of Uncertain Significance.

NM_203288.2(RP9):c.164C>T (p.Pro55Leu)

Gene: RP9 (RP9 pre-mRNA splicing factor; minus strand). Cytogenetic location: 7p14.3.
Variant type: single nucleotide variant.
Coding change: c.164C>T on transcript NM_203288.2 (MANE Select); coding-DNA position 164, C replaced by T.
Protein change: p.Pro55Leu; replaces proline 55 with leucine.
Molecular consequence: missense variant.
Genome position (GRCh38, 1-based): chr7:33,100,550, G>A on the plus strand (C>T on the coding strand, the complement: RP9 is on the minus strand). VCF-style: chr7-33100550-G-A. GRCh37 (hg19) VCF-style: chr7-33140162-G-A.
Other names: short protein forms P55L.
Identifiers: ClinVar variation 2033356 (VCV002033356.4), dbSNP rs2534916452, ClinGen allele CA367183846.